The following is an entry in ClinVar:

NM_006790.3(MYOT):c.614G>C (p.Ser205Thr)

Genes: MYOT (myotilin; plus strand), PKD2L2-DT (PKD2L2 divergent transcript; minus strand). Cytogenetic location: 5q31.2.
Variant type: single nucleotide variant.
Coding change: c.614G>C on transcript NM_006790.3 (MANE Select); coding-DNA position 614, G replaced by C.
Protein change: p.Ser205Thr; replaces serine 205 with threonine.
Molecular consequence: missense variant.
Genome position (GRCh38, 1-based): chr5:137,877,602, G>C. VCF-style: chr5-137877602-G-C. GRCh37 (hg19) VCF-style: chr5-137213291-G-C.
Other names: c.62G>C, p.Ser21Thr (NM_001135940.2); c.269G>C, p.Ser90Thr (NM_001300911.2); short protein forms S205T, S21T, S90T.
Identifiers: ClinVar variation 2012662 (VCV002012662.4), dbSNP rs2532004348, ClinGen allele CA361054733.

ClinVar aggregate classification (germline): Uncertain significance (1 of 4 stars; one submission).

Conditions:
Myofibrillar myopathy 3 (MFM3). Also called: Autosomal dominant spheroid body myopathy; Muscular dystrophy, proximal, type 1A. Identifiers: Orphanet 266, Orphanet 268129, MedGen C3714934, MONDO:0012215, OMIM 609200.

Submission:

Labcorp Genetics (formerly Invitae), Labcorp
Classification: Uncertain significance for Myofibrillar myopathy 3. Last evaluated: 2022-07-01. Review status: criteria provided, single submitter. Criteria: Invitae Variant Classification Sherloc (09022015). Collection method: clinical testing. Allele origin: germline.
Comment: This sequence change replaces serine, which is neutral and polar, with threonine, which is neutral and polar, at codon 205 of the MYOT protein (p.Ser205Thr). This variant is not present in population databases (gnomAD no frequency). This variant has not been reported in the literature in individuals affected with MYOT-related conditions. Algorithms developed to predict the effect of missense changes on protein structure and function (SIFT, PolyPhen-2, Align-GVGD) all suggest that this variant is likely to be tolerated. In summary, the available evidence is currently insufficient to determine the role of this variant in disease. Therefore, it has been classified as a Variant of Uncertain Significance.